The following is an entry in ClinVar:

NM_001943.5(DSG2):c.1027G>T (p.Glu343Ter)

Gene: DSG2 (desmoglein 2; plus strand). Cytogenetic location: 18q12.1.
Variant type: single nucleotide variant.
Coding change: c.1027G>T on transcript NM_001943.5 (MANE Select); coding-DNA position 1027, G replaced by T.
Protein change: p.Glu343Ter; replaces glutamic acid 343 with a stop codon.
Molecular consequence: nonsense.
Genome position (GRCh38, 1-based): chr18:31,530,999, G>T. VCF-style: chr18-31530999-G-T. GRCh37 (hg19) VCF-style: chr18-29110962-G-T.
Other names: c.1027G>T (LRG_397t1); short protein forms E343*.
Identifiers: ClinVar variation 452787 (VCV000452787.10), dbSNP rs1555627108, ClinGen allele CA402137937.
Genomic context (GRCh38, chr18:31,530,999, plus strand): 5'-TCTTCTGTTTTCTCTTTGAAAAGAATTCCCTTTGGTTTTCCCTTTCAGGAAGTAGATTAT[G>T]AAGAAATGAAGAATCTTGACTTCAGTGTTATTGTCGCTAATAAAGCAGCTTTTCACAAGT-3'

ClinVar aggregate classification (germline): Pathogenic/Likely pathogenic. Review status: criteria provided, multiple submitters, no conflicts (2 of 4 stars). 3 submissions from 3 submitters: Pathogenic (2); Likely pathogenic (1). Last evaluated 2025-10-03.

Conditions:
Arrhythmogenic right ventricular dysplasia 10. Also called: Arrhythmogenic Right Ventricular Dysplasia/Cardiomyopathy10; Arrhythmogenic right ventricular dysplasia/cardiomyopathy, type 10; ARRHYTHMOGENIC RIGHT VENTRICULAR DYSPLASIA, FAMILIAL, 10. Identifiers: MedGen C1857777, MONDO:0012434, OMIM 610193.
Cardiovascular phenotype. Identifiers: MedGen CN230736.

Submissions (3):

GeneDx
Classification: Likely pathogenic. Last evaluated: 2025-10-03. Review status: criteria provided, single submitter. Criteria: GeneDx Variant Classification Process June 2021. Collection method: clinical testing. Allele origin: germline. Affected: yes.
Comment: Nonsense variant predicted to result in protein truncation or nonsense mediated decay in a gene for which loss of function is a known mechanism of disease; Not observed at significant frequency in large population cohorts (gnomAD); Has not been previously published as pathogenic or benign to our knowledge

Ambry Genetics
Classification: Pathogenic for Cardiovascular phenotype. Last evaluated: 2025-01-30. Review status: criteria provided, single submitter. Criteria: Ambry Variant Classification Scheme 2023. Collection method: clinical testing. Allele origin: germline.
Comment: The p.E343* pathogenic mutation (also known as c.1027G>T), located in coding exon 9 of the DSG2 gene, results from a G to T substitution at nucleotide position 1027. This changes the amino acid from a glutamic acid to a stop codon within coding exon 9. This variant is considered to be rare based on population cohorts in the Genome Aggregation Database (gnomAD). This alteration is expected to result in loss of function by premature protein truncation or nonsense-mediated mRNA decay. As such, this alteration is interpreted as a disease-causing mutation.

Labcorp Genetics (formerly Invitae), Labcorp
Classification: Pathogenic for Arrhythmogenic right ventricular dysplasia 10. Last evaluated: 2024-06-24. Review status: criteria provided, single submitter. Criteria: Invitae Variant Classification Sherloc (09022015). Collection method: clinical testing. Allele origin: germline.
Comment: This sequence change creates a premature translational stop signal (p.Glu343*) in the DSG2 gene. It is expected to result in an absent or disrupted protein product. Loss-of-function variants in DSG2 are known to be pathogenic (PMID: 17105751, 31386562). This variant is not present in population databases (gnomAD no frequency). This variant has not been reported in the literature in individuals affected with DSG2-related conditions. ClinVar contains an entry for this variant (Variation ID: 452787). For these reasons, this variant has been classified as Pathogenic.

Literature cited by the submitters: PubMed 17105751 (cited by Labcorp Genetics (formerly Invitae), Labcorp); PubMed 31386562 (cited by Labcorp Genetics (formerly Invitae), Labcorp).